The following is an entry in ClinVar:

ClinVar aggregate classification (germline): Uncertain significance (1 of 4 stars; one submission).

Conditions:
Duchenne muscular dystrophy (DMD). Also called: Duchenne Muscular Dystrophy (DMD); MUSCULAR DYSTROPHY, PSEUDOHYPERTROPHIC PROGRESSIVE, DUCHENNE TYPE. Identifiers: Orphanet 98896, MedGen C0013264, MONDO:0010679, OMIM 310200.

Submission:

Labcorp Genetics (formerly Invitae), Labcorp
Classification: Uncertain significance for Duchenne muscular dystrophy. Last evaluated: 2019-12-18. Review status: criteria provided, single submitter. Criteria: Invitae Variant Classification Sherloc (09022015). Collection method: clinical testing. Allele origin: germline.
Comment: This variant results in a copy number gain of the genomic region encompassing exon 1 of the DMD gene. The 5' end of this event is unknown as it extends beyond the assayed region for this gene and therefore may encompass additional genes. The 3' boundary is likely confined to intron 1 of the DMD gene. As the precise location of this event is unknown, it may be in tandem or it may be located elsewhere in the genome. This variant has not been reported in the literature in individuals with DMD-related disease. In summary, the available evidence is currently insufficient to determine the role of this variant in disease. Therefore, it has been classified as a Variant of Uncertain Significance.

NC_000023.11:g.(?_33174335)_(33211366_?)dup

Gene: DMD (dystrophin; minus strand). Cytogenetic location: Xp21.1.
Variant type: Duplication.
Identifiers: ClinVar variation 831233 (VCV000831233.1).